The following is an entry in ClinVar:

ClinVar aggregate classification (germline): Uncertain significance. Review status: criteria provided, multiple submitters, no conflicts (2 of 4 stars). 5 submissions from 5 submitters: Uncertain significance (4). 1 of the submissions does not count toward it. Last evaluated 2025-05-20.

Conditions:
ALMS1-related disorder. Also called: ALMS1-related condition.
Alstrom syndrome (ALMS). Identifiers: Orphanet 64, MedGen C0268425, MONDO:0008763, OMIM 203800.

Submissions (5):

GeneDx
Classification: Uncertain significance. Last evaluated: 2025-05-20. Review status: criteria provided, single submitter. Criteria: GeneDx Variant Classification Process June 2021. Collection method: clinical testing. Allele origin: germline. Affected: yes.
Comment: Not observed at significant frequency in large population cohorts (gnomAD); Frameshift variant predicted to result in abnormal protein length as the last 31 amino acids are replaced with 3 different amino acids; Has not been previously published as pathogenic or benign to our knowledge

Labcorp Genetics (formerly Invitae), Labcorp
Classification: Uncertain significance for Alstrom syndrome. Last evaluated: 2023-05-16. Review status: criteria provided, single submitter. Criteria: Invitae Variant Classification Sherloc (09022015). Collection method: clinical testing. Allele origin: germline.
Comment: This sequence change creates a premature translational stop signal (p.Arg4139Ilefs*4) in the ALMS1 gene. While this is not anticipated to result in nonsense mediated decay, it is expected to disrupt the last 31 amino acid(s) of the ALMS1 protein. This variant is not present in population databases (gnomAD no frequency). This variant has not been reported in the literature in individuals affected with ALMS1-related conditions. ClinVar contains an entry for this variant (Variation ID: 1683347). Experimental studies and prediction algorithms are not available or were not evaluated, and the functional significance of this variant is currently unknown. In summary, the available evidence is currently insufficient to determine the role of this variant in disease. Therefore, it has been classified as a Variant of Uncertain Significance.

Women's Health and Genetics/Laboratory Corporation of America, LabCorp
Classification: Uncertain significance. Last evaluated: 2022-04-08. Review status: criteria provided, single submitter. Criteria: LabCorp Variant Classification Summary - May 2015. Collection method: clinical testing. Allele origin: germline.
Comment: Variant summary: ALMS1 c.12408_12412delGAGAA/p.Arg4137IlefsX4(also known as c.12414_12418delGAGAA/p.Arg4139IlefsX4) results in a premature termination codon located towards the 3 prime end, which may escape nonsense mediated decay and truncated protein may still be functional. Truncations downstream of this position have been classified as VUS by our laboratory or in ClinVar database. The variant was absent in 249546 control chromosomes. To our knowledge, no occurrence of c.12408_12412delGAGAA in individuals affected with Alstrom Syndrome and no experimental evidence demonstrating its impact on protein function have been reported. No clinical diagnostic laboratories have submitted clinical-significance assessments for this variant to ClinVar after 2014. Based on the evidence outlined above, the variant was classified as VUS.

Fulgent Genetics
Classification: Uncertain significance for Alstrom syndrome. Last evaluated: 2022-02-25. Review status: criteria provided, single submitter. Criteria: ACMG Guidelines, 2015. Collection method: clinical testing. Allele origin: unknown.

PreventionGenetics, part of Exact Sciences
Classification: Uncertain significance for ALMS1-related condition. Last evaluated: 2024-05-22. Review status: no assertion criteria provided. Collection method: clinical testing. Allele origin: germline. Not counted in ClinVar's aggregate classification.
Comment: The ALMS1 c.12408_12412del5 variant is predicted to result in a frameshift and premature protein termination (p.Arg4137Ilefs*4). To our knowledge, this variant has not been reported in the literature or in a large population database, indicating this variant is rare. Although truncating variants are expected to be pathogenic, to our knowledge, none have been reported downstream of this position. At this time, the clinical significance of this variant is uncertain due to the absence of conclusive functional and genetic evidence.

NM_001378454.1(ALMS1):c.12411_12415del (p.Arg4138fs)

Gene: ALMS1 (ALMS1 centrosome and basal body associated protein; plus strand). Cytogenetic location: 2p13.1.
Variant type: Microsatellite.
Coding change: c.12411_12415del on transcript NM_001378454.1 (MANE Select); coding-DNA positions 12411 to 12415, 5 bases deleted (GAGAA; older notation c.12411_12415delGAGAA).
Protein change: p.Arg4138fs; shifts the reading frame from arginine 4138.
Molecular consequence: frameshift variant.
Genome position (GRCh38, 1-based): chr2:73,608,523-73,608,527, GAGAA deleted; deleting any 5 consecutive bases within chr2:73,608,514-73,608,527 gives the same sequence; the c. name uses the placement nearest the transcript's 3' end. VCF-style (leftmost placement, unchanged base first): chr2-73608513-AAGAAG-A. GRCh37 (hg19) VCF-style: chr2-73835640-AAGAAG-A.
Other names: c.12414_12418del, p.Arg4139fs (NM_015120.4); c.12414_12418delGAGAA (NM_015120.4); c.12408_12412del5 (NM_015120.4); short protein forms R4138fs, R4139fs.
Identifiers: ClinVar variation 1683347 (VCV001683347.7), dbSNP rs2104216255, ClinGen allele CA2580611664.